The following is an entry in ClinVar:

NM_001376.5(DYNC1H1):c.10474A>C (p.Thr3492Pro)

Gene: DYNC1H1 (dynein cytoplasmic 1 heavy chain 1; plus strand). Cytogenetic location: 14q32.31.
Variant type: single nucleotide variant.
Coding change: c.10474A>C on transcript NM_001376.5 (MANE Select); coding-DNA position 10474, A replaced by C.
Protein change: p.Thr3492Pro; replaces threonine 3492 with proline.
Molecular consequence: missense variant.
Genome position (GRCh38, 1-based): chr14:102,034,036, A>C. VCF-style: chr14-102034036-A-C. GRCh37 (hg19) VCF-style: chr14-102500373-A-C.
Other names: short protein forms T3492P.
Identifiers: ClinVar variation 4998596 (VCV004998596.1).

ClinVar aggregate classification (germline): Uncertain significance (1 of 4 stars; one submission).

Conditions:
DYNC1H1-related disorder. Also called: DYNC1H1-related condition; DYNC1H1-related disorders. Identifiers: MedGen CN381529.

gnomAD v4.1: 1 of 1,614,102 alleles (0.000062%); highest among the groups gnomAD compares: Non-Finnish European, 0.000085%; no homozygotes.

Submission:

PreventionGenetics, part of Exact Sciences
Classification: Uncertain significance for DYNC1H1-related condition. Last evaluated: 2025-01-03. Review status: criteria provided, single submitter. Criteria: ACMG Guidelines, 2015. Collection method: clinical testing. Allele origin: germline.
Comment: The DYNC1H1 c.10474A>C variant is predicted to result in the amino acid substitution p.Thr3492Pro. To our knowledge, this variant has not been reported in the literature or in a large population database (gnomAD), indicating this variant is rare. At this time, the clinical significance of this variant is uncertain due to the absence of conclusive functional and genetic evidence.